The following is an entry in ClinVar:

NM_199420.4(POLQ):c.4621A>C (p.Asn1541His)

Gene: POLQ (DNA polymerase theta; minus strand). Cytogenetic location: 3q13.33.
Variant type: single nucleotide variant.
Coding change: c.4621A>C on transcript NM_199420.4 (MANE Select); coding-DNA position 4621, A replaced by C.
Protein change: p.Asn1541His; replaces asparagine 1541 with histidine.
Molecular consequence: missense variant.
Genome position (GRCh38, 1-based): chr3:121,488,310, T>G on the plus strand (A>C on the coding strand, the complement: POLQ is on the minus strand). VCF-style: chr3-121488310-T-G. GRCh37 (hg19) VCF-style: chr3-121207157-T-G.
Other names: short protein forms N1541H.
Identifiers: ClinVar variation 2449019 (VCV002449019.2), dbSNP rs2546785727, ClinGen allele CA354094423.

ClinVar aggregate classification (germline): Uncertain significance (1 of 4 stars; one submission).

Allele frequency attached by ClinVar (database versions not stated): gnomAD exomes below 0.00001.
gnomAD v4.1: 1 of 1,612,532 alleles (0.000062%); highest among the groups gnomAD compares: South Asian, 0.0011%; no homozygotes.

Submission:

Ambry Genetics
Classification: Uncertain significance. Last evaluated: 2023-02-16. Review status: criteria provided, single submitter. Criteria: Ambry Variant Classification Scheme 2023. Collection method: clinical testing. Allele origin: germline.
Comment: The p.N1541H variant (also known as c.4621A>C), located in coding exon 16 of the POLQ gene, results from an A to C substitution at nucleotide position 4621. The asparagine at codon 1541 is replaced by histidine, an amino acid with similar properties. This amino acid position is conserved. In addition, this alteration is predicted to be tolerated by in silico analysis. Since supporting evidence is limited at this time, the clinical significance of this alteration remains unclear.